The following is an entry in ClinVar:

NM_024422.6(DSC2):c.938G>A (p.Arg313Lys)

Gene: DSC2 (desmocollin 2; minus strand). Cytogenetic location: 18q12.1.
Variant type: single nucleotide variant.
Coding change: c.938G>A on transcript NM_024422.6 (MANE Select); coding-DNA position 938, G replaced by A.
Protein change: p.Arg313Lys; replaces arginine 313 with lysine.
Molecular consequence: missense variant.
Genome position (GRCh38, 1-based): chr18:31,086,580, C>T on the plus strand (G>A on the coding strand, the complement: DSC2 is on the minus strand). VCF-style: chr18-31086580-C-T. GRCh37 (hg19) VCF-style: chr18-28666543-C-T.
Other names: c.509G>A, p.Arg170Lys (NM_001406506.1, NM_001406507.1); c.938G>A, p.Arg313Lys (NM_004949.5); short protein forms R170K, R313K.
Identifiers: ClinVar variation 2996551 (VCV002996551.4), dbSNP rs1193813686, ClinGen allele CA402111715.

ClinVar aggregate classification (germline): Uncertain significance. Review status: criteria provided, multiple submitters, no conflicts (2 of 4 stars). 2 submissions from 2 submitters: Uncertain significance (2). Last evaluated 2024-05-14.

Conditions:
Familial isolated arrhythmogenic right ventricular dysplasia. Identifiers: Orphanet 217656, MedGen C4274968, MONDO:0016342.
Arrhythmogenic right ventricular dysplasia 11. Also called: ARRHYTHMOGENIC RIGHT VENTRICULAR DYSPLASIA, FAMILIAL, 11; Arrhythmogenic Right Ventricular Dysplasia/Cardiomyopathy11; Arrhythmogenic right ventricular dysplasia 11 with mild palmoplantar keratoderma and woolly hair. Identifiers: MedGen C1864850, MONDO:0012506, OMIM 610476.

Allele frequency attached by ClinVar (database versions not stated): gnomAD exomes below 0.00001.
gnomAD v4.1: 2 of 1,614,112 alleles (0.00012%); highest among the groups gnomAD compares: Non-Finnish European, 0.00017%; no homozygotes.

Submissions (2):

All of Us Research Program, National Institutes of Health
Classification: Uncertain significance for Familial isolated arrhythmogenic right ventricular dysplasia. Last evaluated: 2024-05-14. Review status: criteria provided, single submitter. Criteria: ACMG Guidelines, 2015. Collection method: clinical testing. Allele origin: germline. Inheritance: Autosomal dominant inheritance. Observed: 1 variant allele, 1 heterozygote.
Comment: This missense variant replaces arginine with lysine at codon 313 of the DSC2 protein. Computational prediction suggests that this variant may not impact protein structure and function (internally defined REVEL score threshold <= 0.5, PMID: 27666373). To our knowledge, functional studies have not been reported for this variant. This variant has not been reported in individuals affected with DSC2-related disorders in the literature. This variant has not been identified in the general population by the Genome Aggregation Database (gnomAD). The available evidence is insufficient to determine the role of this variant in disease conclusively. Therefore, this variant is classified as a Variant of Uncertain Significance.

This study involves interpretation of variants in research participants for the purpose of population health screening. Participant phenotype was not available at the time of variant classification. Additional details can be found in publication PMID: 35346344, PMCID: PMC8962531

Labcorp Genetics (formerly Invitae), Labcorp
Classification: Uncertain significance for Arrhythmogenic right ventricular dysplasia 11. Last evaluated: 2024-04-23. Review status: criteria provided, single submitter. Criteria: Invitae Variant Classification Sherloc (09022015). Collection method: clinical testing. Allele origin: germline.
Comment: This sequence change replaces arginine, which is basic and polar, with lysine, which is basic and polar, at codon 313 of the DSC2 protein (p.Arg313Lys). This variant is not present in population databases (gnomAD no frequency). This variant has not been reported in the literature in individuals affected with DSC2-related conditions. Advanced modeling of protein sequence and biophysical properties (such as structural, functional, and spatial information, amino acid conservation, physicochemical variation, residue mobility, and thermodynamic stability) performed at Invitae indicates that this missense variant is expected to disrupt DSC2 protein function with a positive predictive value of 80%. In summary, the available evidence is currently insufficient to determine the role of this variant in disease. Therefore, it has been classified as a Variant of Uncertain Significance.